The following is an entry in ClinVar:

ClinVar aggregate classification (germline): Likely pathogenic (1 of 4 stars; one submission).

Conditions:
Cardiovascular phenotype. Identifiers: MedGen CN230736.

Submission:

Ambry Genetics
Classification: Likely pathogenic for Cardiovascular phenotype. Last evaluated: 2025-03-07. Review status: criteria provided, single submitter. Criteria: Ambry Variant Classification Scheme 2023. Collection method: clinical testing. Allele origin: germline.
Comment: The p.E11660* variant (also known as c.34978G>T), located in coding exon 131 of the TTN gene, results from a G to T substitution at nucleotide position 34978. This changes the amino acid from a glutamic acid to a stop codon within coding exon 131. This exon is located in the A-band region of the N2-B isoform of the titin protein and is constitutively expressed in TTN transcripts (percent spliced in or PSI 100%). This variant is considered to be rare based on population cohorts in the Genome Aggregation Database (gnomAD). This variant is expected to result in loss of function by premature protein truncation or nonsense-mediated mRNA decay. While truncating variants in TTN are present in 1-3% of the general population, truncating variants in the A-band are the most common cause of dilated cardiomyopathy (Herman DS et al. N. Engl. J. Med., 2012 Feb;366:619-28; Roberts AM et al. Sci Transl Med, 2015 Jan;7:270ra6). TTN truncating variants encoded in constitutive exons (PSI >90%) have been found to be significantly associated with DCM regardless of their position in titin (Schafer S et al. Nat. Genet., 2017 01;49:46-53; Akhtar MM et al. Circ Heart Fail, 2020 Oct;13:e006832; Massier M et al. Clin Genet, 2025 Jan). Based on the majority of available evidence to date, this variant is likely to be pathogenic.

NM_001267550.2(TTN):c.62173G>T (p.Glu20725Ter)

Genes: TTN (titin; minus strand), TTN-AS1 (TTN antisense RNA 1; plus strand). Cytogenetic location: 2q31.2.
Variant type: single nucleotide variant.
Coding change: c.62173G>T on transcript NM_001267550.2 (MANE Select); coding-DNA position 62173, G replaced by T.
Protein change: p.Glu20725Ter; replaces glutamic acid 20725 with a stop codon.
Molecular consequence: nonsense.
Genome position (GRCh38, 1-based): chr2:178,589,552, C>A on the plus strand (G>T on the coding strand, the complement: TTN is on the minus strand). VCF-style: chr2-178589552-C-A. GRCh37 (hg19) VCF-style: chr2-179454279-C-A.
Other names: c.57250G>T, p.Glu19084Ter (NM_001256850.1); c.34978G>T, p.Glu11660Ter (NM_003319.4); c.54469G>T, p.Glu18157Ter (NM_133378.4); c.35353G>T, p.Glu11785Ter (NM_133432.3); c.35554G>T, p.Glu11852Ter (NM_133437.4); short protein forms E11785*, E20725*, E11660*, E11852*, E18157*, E19084*.
Identifiers: ClinVar variation 3812294 (VCV003812294.1).